The following continues an entry in ClinVar:

NM_000059.4(BRCA2):c.658_659del (p.Val220fs)

Gene: BRCA2. ClinVar aggregate classification (germline): Pathogenic. Pathogenic (1).

Submissions 47 to 71 of 73:

Women's Health and Genetics/Laboratory Corporation of America, LabCorp
Classification: Pathogenic for Hereditary breast ovarian cancer syndrome. Last evaluated: 2016-04-18. Review status: criteria provided, single submitter. Criteria: LabCorp Variant Classification Summary - May 2015. Collection method: clinical testing. Allele origin: germline. Not counted in ClinVar's aggregate classification.
Comment: Variant summary: The c.658_659delGT variant results in a premature termination codon, predicted to cause a truncated or absent BRCA2 protein, which is a commonly known mechanism for disease. Truncations downstream of this position have been classified as pathogenic by our laboratory (c.755_758delACAG, p.Asp252fsX24; c.771_775delTCAAA, p.Asn257fsX17; c.778_779delGA, p.Glu260fsX15). The variant was observed in the large and broad cohorts of the ExAC project at an allele frequency of 0.006% which does not exceed the maximal expected allele frequency for a pathogenic variant in BRCA2 (0.075%). The variant has been reported in numerous affected individuals in the literature, including 2 siblings affected with Fanconi anemia who also carried a second pathogenic BRCA2 variant (Svojgr_2016). Mutliple reputable clinical labs have classified the variant as "Pathogenic". Taken together, this variant is classified as pathogenic.

University of Washington Department of Laboratory Medicine, University of Washington
Classification: Pathogenic for Breast-ovarian cancer, familial, susceptibility to, 1. Last evaluated: 2015-11-20. Review status: criteria provided, single submitter. Criteria: Shirts et al. (Genet Med 2016). Collection method: clinical testing. Allele origin: germline. Affected: yes. Observed: 2 variant alleles. Not counted in ClinVar's aggregate classification.

Clinical Genetics and Genomics, Karolinska University Hospital
Classification: Pathogenic. Last evaluated: 2015-11-18. Review status: criteria provided, single submitter. Criteria: ACMG Guidelines, 2015. Collection method: clinical testing. Allele origin: germline. Affected: yes. Observed: 3 variant alleles. Not counted in ClinVar's aggregate classification.

Department of Medical Genetics, Oslo University Hospital
Classification: Pathogenic for Breast-ovarian cancer, familial, susceptibility to, 2. Last evaluated: 2015-10-06. Review status: criteria provided, single submitter. Criteria: ACMG Guidelines, 2015. Collection method: clinical testing. Allele origin: germline. Affected: yes. Observed: 1 variant allele. Not counted in ClinVar's aggregate classification.

Consortium of Investigators of Modifiers of BRCA1/2 (CIMBA), c/o University of Cambridge
Classification: Pathogenic for Breast-ovarian cancer, familial, susceptibility to, 2. Last evaluated: 2015-10-02. Review status: criteria provided, single submitter. Criteria: CIMBA Mutation Classification guidelines May 2016. Collection method: clinical testing. Allele origin: germline. Not counted in ClinVar's aggregate classification.

Clinical Genetics DNA and cytogenetics Diagnostics Lab, Erasmus MC, Erasmus Medical Center
Classification: Pathogenic for Breast-ovarian cancer, familial, susceptibility to, 2. Last evaluated: 2015-09-21. Review status: criteria provided, single submitter. Criteria: ACGS Guidelines, 2013. Collection method: clinical testing. Allele origin: germline. Affected: yes. Study: VKGL Data-share Consensus. Not counted in ClinVar's aggregate classification.

Molecular Genetics Laboratory, University of Michigan
Classification: Pathogenic for Breast-ovarian cancer, familial, susceptibility to, 2. Last evaluated: 2014-11-03. Review status: criteria provided, single submitter. Criteria: ACMG Guidelines, 2015. Collection method: clinical testing. Allele origin: germline. Affected: yes. Not counted in ClinVar's aggregate classification.

HudsonAlpha Institute for Biotechnology
Classification: Pathogenic for Breast-ovarian cancer, familial, susceptibility to, 2. Last evaluated: 2014-07-10. Review status: criteria provided, single submitter. Criteria: HA_assertions_20150911. Collection method: research. Allele origin: unknown. Observed: 1 variant allele. Study: CSER-HudsonAlpha. Not counted in ClinVar's aggregate classification.

Imagene.me medical diagnostic laboratory, IMAGENE.ME SA
Classification: Pathogenic for Breast-ovarian cancer, familial, susceptibility to, 2. Review status: criteria provided, single submitter. Criteria: IMAGENE.ME Variant Classification SOP 2022. Collection method: clinical testing. Allele origin: germline. Not counted in ClinVar's aggregate classification.
Comment: Classified according to the IMAGENE.ME variant classification SOP based on the ACMG guidelines as Pathogenic (P): PVS1 + PS4_VeryStrong + PP5

Laboratory of Medical Genetics Unit, Bambino Gesù Children's Hospital
Classification: Pathogenic for Medulloblastoma. Review status: criteria provided, single submitter. Criteria: ACMG Guidelines, 2015. Collection method: research. Allele origin: germline. Affected: yes. Not counted in ClinVar's aggregate classification.
Comment: The NM_000059.3 (BRCA2): c.657_658delTG p.(Val220IlefsTer4) is reported in GnomAD with an allele Frequency (AF) <0.01%, is annotated on Clinvar as pathogenic/likely pathogenic associated with Medulloblastoma [RCV000009932], Hereditary Cancer-predisposing Syndrome [RCV000131858] and Hereditary Breast Ovarian Cancer Syndrome [RCV000031637]. The variant is reported in the literature, and it is classified as a pathogenic variant following the ACMG criteria (PVS1, PM2, PM3, PP5).

Rady Children's Institute for Genomic Medicine, Rady Children's Hospital San Diego
Classification: Pathogenic for BRCA2-related disorders. Review status: criteria provided, single submitter. Criteria: ACMG Guidelines, 2015. Collection method: clinical testing. Allele origin: germline. Affected: yes. Not counted in ClinVar's aggregate classification.
Comment: This frameshifting variant in exon 8 of 28 introduces a premature stop codon and is therefore predicted to result in loss of normal protein function through either protein truncation or nonsense-mediated mRNA decay (NMD). This variant has been previously reported in individuals with breast and ovarian cancer (PMID: 22923021, 23767878, 28324225). This variant has also been reported as a compound heterozygous change in patients with Fanconi anemia (PMID: 16825431). Loss-of-function variation in BRCA2 is an established mechanism of disease (PMID: 20104584). The c.658_659del (p.Val220IlefsTer4) variant is present in the heterozygous state in the gnomAD population database at a frequency of 0.005% (13/276414) and thus is presumed to be rare. Based on the available evidence, the c.658_659del (p.Val220IlefsTer4) variant is classified as Pathogenic.

CZECANCA consortium
Classification: Pathogenic for Uterine corpus cancer. Last evaluated: 2023-02-21. Review status: no assertion criteria provided. Collection method: clinical testing. Allele origin: germline. Affected: yes. Observed: 1 variant allele. Not counted in ClinVar's aggregate classification.

BRCAlab, Lund University
Classification: Pathogenic for Breast-ovarian cancer, familial, susceptibility to, 2. Last evaluated: 2022-08-26. Review status: no assertion criteria provided. Collection method: clinical testing. Allele origin: germline. Affected: yes. Not counted in ClinVar's aggregate classification.

Laboratory for Genotyping Development, RIKEN
Classification: Pathogenic for Gastric cancer. Last evaluated: 2021-07-01. Review status: no assertion criteria provided. Collection method: research. Allele origin: germline. Not counted in ClinVar's aggregate classification.

CZECANCA consortium
Classification: Pathogenic for Breast and/or ovarian cancer. Last evaluated: 2019-06-11. Review status: no assertion criteria provided. Collection method: case-control, clinical testing. Allele origin: germline. Affected: no and yes. Observed: 7 variant alleles. Not counted in ClinVar's aggregate classification.

Foulkes Cancer Genetics LDI, Lady Davis Institute for Medical Research
Classification: Pathogenic for Breast and/or ovarian cancer. Last evaluated: 2016-12-04. Review status: no assertion criteria provided. Collection method: clinical testing. Allele origin: germline. Study: The Canadian Open Genetics Repository (COGR). Not counted in ClinVar's aggregate classification.

Counsyl
Classification: Pathogenic for Breast-ovarian cancer, familial 2. Last evaluated: 2015-02-04. Review status: no assertion criteria provided. Collection method: literature only. Allele origin: unknown. Inheritance: Autosomal dominant inheritance. Not counted in ClinVar's aggregate classification.

Research Molecular Genetics Laboratory, Women's College Hospital, University of Toronto
Classification: Pathogenic for Hereditary breast ovarian cancer syndrome. Last evaluated: 2014-01-31. Review status: no assertion criteria provided. Collection method: research. Allele origin: germline. Affected: yes. Study: The Canadian Open Genetics Repository (COGR). Not counted in ClinVar's aggregate classification.

Sharing Clinical Reports Project (SCRP)
Classification: Pathogenic for Breast-ovarian cancer, familial 2. Last evaluated: 2014-01-04. Review status: no assertion criteria provided. Collection method: clinical testing. Allele origin: germline. Not counted in ClinVar's aggregate classification.

OMIM
Classification: Pathogenic for FANCONI ANEMIA, COMPLEMENTATION GROUP D1. Last evaluated: 2007-01-01. Review status: no assertion criteria provided. Collection method: literature only. Allele origin: germline. Not counted in ClinVar's aggregate classification.

OMIM
Classification: Pathogenic for WILMS TUMOR. Last evaluated: 2007-01-01. Review status: no assertion criteria provided. Collection method: literature only. Allele origin: germline. Not counted in ClinVar's aggregate classification.

OMIM
Classification: risk factor for GLIOMA SUSCEPTIBILITY 3. Last evaluated: 2007-01-01. Review status: no assertion criteria provided. Collection method: literature only. Allele origin: germline. Not counted in ClinVar's aggregate classification.

OMIM
Classification: Pathogenic for MEDULLOBLASTOMA. Last evaluated: 2007-01-01. Review status: no assertion criteria provided. Collection method: literature only. Allele origin: germline. Not counted in ClinVar's aggregate classification.

Breast Cancer Information Core (BIC) (BRCA2)
Classification: Pathogenic for Breast-ovarian cancer, familial 2. Last evaluated: 2002-05-29. Review status: no assertion criteria provided. Collection method: clinical testing. Allele origin: germline, unknown. Affected: yes. Observed: 37 variant alleles. Not counted in ClinVar's aggregate classification.

Center for Precision Medicine, Meizhou People's Hospital
Classification: Pathogenic for Familial cancer of breast. Review status: no assertion criteria provided. Collection method: literature only. Allele origin: germline. Affected: yes. Not counted in ClinVar's aggregate classification.